The following is an entry in ClinVar:

ClinVar aggregate classification (germline): Conflicting classifications of pathogenicity. Review status: criteria provided, conflicting classifications (1 of 4 stars). 15 submissions from 15 submitters: Uncertain significance (12); Likely benign (2). 1 of the submissions does not count toward it. Last evaluated 2026-01-13.

Conditions:
Hereditary cancer-predisposing syndrome. Also called: Hereditary Cancer Syndrome; Tumor predisposition; Neoplastic Syndromes, Hereditary; Hereditary neoplastic syndrome. Identifiers: Orphanet 140162, MedGen C0027672, MeSH D009386, MONDO:0015356.
Breast neoplasm. Also called: Neoplasm of breast; Breast tumor; Neoplasm of the breast; Breast Neoplasms. Identifiers: MedGen C1458155, MeSH D001943, MONDO:0021100, HP:0100013. Disease mechanism: gain of function.
Hereditary breast ovarian cancer syndrome. Also called: Hereditary breast and ovarian cancer syndrome; Hereditary breast and ovarian cancer; Hereditary breast and ovarian cancer syndrome (HBOC); BRCA1- and BRCA2-Associated Hereditary Breast and Ovarian Cancer; Hereditary breast and/or ovarian cancer syndrome; Breast and ovarian cancer. Identifiers: Orphanet 145, MedGen C0677776, MeSH D061325, MONDO:0003582. Disease mechanism: loss of function.
Breast-ovarian cancer, familial, susceptibility to, 2 (BROVCA2). Also called: BRCA2 Hereditary Breast and Ovarian Cancer. Identifiers: Orphanet 145, MedGen C2675520, MONDO:0012933, OMIM 612555. Disease mechanism: loss of function.
Familial cancer of breast. Also called: BREAST CANCER, FAMILIAL; hereditary breast carcinoma; Hereditary breast cancer. Identifiers: Orphanet 227535, MedGen C0346153, MONDO:0016419, OMIM 114480. Disease mechanism: loss of function.

Submissions (15):

Labcorp Genetics (formerly Invitae), Labcorp
Classification: Uncertain significance for Hereditary breast ovarian cancer syndrome. Last evaluated: 2026-01-13. Review status: criteria provided, single submitter. Criteria: Invitae Variant Classification Sherloc (09022015). Collection method: clinical testing. Allele origin: germline.
Comment: This variant, c.644_646del, results in the deletion of 1 amino acid(s) of the BRCA2 protein (p.Glu215del), but otherwise preserves the integrity of the reading frame. This variant is present in population databases (rs746887088, gnomAD 0.006%). This variant has been observed in individual(s) with breast and/or ovarian cancer (PMID: 27257965, 30262796, 35402282, 39187384). This variant has been observed to co-occur in individuals with a different variant in BRCA2 that has been determined to be pathogenic (internal data), but the significance of this finding is unclear. This variant is also known as p.E213del and c.640_642del. Experimental studies and prediction algorithms are not available or were not evaluated, and the functional significance of this variant is currently unknown. In summary, the available evidence is currently insufficient to determine the role of this variant in disease. Therefore, it has been classified as a Variant of Uncertain Significance.

Women's Health and Genetics/Laboratory Corporation of America, LabCorp
Classification: Uncertain significance. Last evaluated: 2026-01-07. Review status: criteria provided, single submitter. Criteria: LabCorp Variant Classification Summary - May 2015. Collection method: clinical testing. Allele origin: germline.
Comment: Variant summary: BRCA2 c.644_646delAAG (p.Glu215del) results in an in-frame deletion that is predicted to remove 1 amino acid from the encoded protein. The variant allele was found at a frequency of 8.2e-06 in 244584 control chromosomes. The available data on variant occurrences in the general population are insufficient to allow any conclusion about variant significance. c.644_646delAAG has been observed in individual(s) affected with Hereditary Breast And Ovarian Cancer Syndrome, without strong evidence of causality (example: Abdel-Razeq_2022, Al Amri_2024, Quezada Urban_2018, Zhong_2016, Deugd_2025). These report(s) do not provide unequivocal conclusions about association of the variant with Hereditary Breast And Ovarian Cancer Syndrome. To our knowledge, no experimental evidence demonstrating an impact on protein function has been reported. The following publications have been ascertained in the context of this evaluation (PMID: 35402282, 39187384, 30262796, 27257965, 40710012). ClinVar contains an entry for this variant (Variation ID: 52106). Based on the evidence outlined above, the variant was classified as uncertain significance.

Center for Genomic Medicine, Rigshospitalet, Copenhagen University Hospital
Classification: Likely benign. Last evaluated: 2025-12-29. Review status: criteria provided, single submitter. Criteria: ACMG Guidelines, 2015. Collection method: clinical testing. Allele origin: germline.
Comment: Classification criteria: BS3_Strong, BP4

Color Diagnostics, LLC DBA Color Health
Classification: Likely benign for Hereditary cancer-predisposing syndrome. Last evaluated: 2025-10-22. Review status: criteria provided, single submitter. Criteria: ACMG Guidelines, 2015. Collection method: clinical testing. Allele origin: germline.

Ambry Genetics
Classification: Uncertain significance for Hereditary cancer-predisposing syndrome. Last evaluated: 2024-10-18. Review status: criteria provided, single submitter. Criteria: Ambry Variant Classification Scheme 2023. Collection method: clinical testing. Allele origin: germline.
Comment: The c.644_646delAAG variant (also known as p.E215del) is located in coding exon 7 of the BRCA2 gene. This variant results from an in-frame AAG deletion at nucleotide positions 644 to 646. This results in the in-frame deletion of a glutamic acid at codon 215. This alteration has been reported in multiple individuals diagnosed with breast and/or ovarian cancer (Zhong X. et al. PLoS One. 2016 Jun;11(6):e0156789; Quezada Urban R. et al. Cancers (Basel). 2018 Sep;10(10); Abdel-Razeq H. et al. Front Oncol. 2022 Mar;12:673094; Bang YJ et al. Ann Surg Treat Res, 2022 Dec;103:323-330; Al Amri WS et al. Oncologist, 2024 Aug;:). This amino acid position is well conserved in available vertebrate species. In addition, the in silico prediction for this alteration is inconclusive (Choi Y et al. PLoS ONE. 2012; 7(10):e46688). Based on the available evidence, the clinical significance of this variant remains unclear.

Baylor Genetics
Classification: Uncertain significance for Familial cancer of breast. Last evaluated: 2024-03-01. Review status: criteria provided, single submitter. Criteria: ACMG Guidelines, 2015. Collection method: clinical testing. Allele origin: unknown.

Institute for Biomarker Research, Medical Diagnostic Laboratories, L.L.C.
Classification: Uncertain significance for Hereditary breast ovarian cancer syndrome. Last evaluated: 2023-11-28. Review status: criteria provided, single submitter. Criteria: ACMG Guidelines, 2015. Collection method: clinical testing. Allele origin: germline.

Quest Diagnostics Nichols Institute San Juan Capistrano
Classification: Uncertain significance. Last evaluated: 2023-06-06. Review status: criteria provided, single submitter. Criteria: Quest Diagnostics criteria. Collection method: clinical testing. Allele origin: unknown.
Comment: This variant causes an in-frame deletion of one amino acid in the BRCA2 protein. In the published literature, the variant has been reported in individuals with breast cancer or with suspected hereditary breast/ovarian cancer (PMIDs: 35402282 (2022), 30262796 (2018), and 27257965 (2016)). In addition, this variant has been reported in the somatic state in a patient with uterine leiomyosarcoma (PMID: 35454841 (2022)). The frequency of this variant in the general population, 0.0000082 (2/244584 chromosomes), is uninformative in assessment of its pathogenicity. Based on the available information, we are unable to determine the clinical significance of this variant.

Sema4
Classification: Uncertain significance for Hereditary cancer-predisposing syndrome. Last evaluated: 2022-03-10. Review status: criteria provided, single submitter. Criteria: Sema4 Curation Guidelines. Collection method: curation. Allele origin: germline.
Comment: The BRCA2 c.644_646delAAG (p.E215del) variant has been reported in heterozygosity in at least two individuals with breast cancer (PMID: 30262796, 27257965). It is also known as c.643_645delGAA, c.640_642del (p.214_214del), and E213del. This variant was observed in 1/18304 chromosomes in the East Asian population according to the Genome Aggregation Database (PMID: 32461654), and has been reported in ClinVar (Variation ID: 52106). The p.E215 residue is moderately conserved among mammals. The evidence is insufficient to meet ACMG/AMP criteria for classifying the variant as benign or pathogenic. Thus, the clinical significance of this variant is currently uncertain.

Genetics and Molecular Pathology, SA Pathology
Classification: Uncertain significance for Familial cancer of breast. Last evaluated: 2020-06-10. Review status: criteria provided, single submitter. Criteria: ACMG Guidelines, 2015. Collection method: clinical testing. Allele origin: germline. Affected: yes.

Mendelics
Classification: Uncertain significance for Hereditary breast and ovarian cancer syndrome. Last evaluated: 2018-07-02. Review status: criteria provided, single submitter. Criteria: Mendelics Assertion Criteria 2017. Collection method: clinical testing. Allele origin: unknown.

PreventionGenetics, part of Exact Sciences
Classification: Uncertain significance. Last evaluated: 2017-01-25. Review status: criteria provided, single submitter. Criteria: ACMG Guidelines, 2015. Collection method: clinical testing. Allele origin: germline.

Laboratory of Molecular Diagnosis of Cancer, West China Hospital, Sichuan University
Classification: Uncertain significance for Breast neoplasm. Last evaluated: 2015-11-01. Review status: criteria provided, single submitter. Criteria: ACMG Guidelines, 2015. Collection method: research. Allele origin: germline. Affected: yes. Observed: 1 variant allele.

GeneDx
Classification: Uncertain significance for Familial cancer of breast. Last evaluated: 2013-12-19. Review status: criteria provided, single submitter. Criteria: GeneDx Variant Classification (06012015). Collection method: clinical testing. Allele origin: germline. Affected: yes.
Comment: This variant, in exon 8 of the BRCA2 gene, is denoted c.644_646delAAG at the DNA level or p.Glu215del (E215del) at the protein level. The normal sequence with the bases that are deleted in braces is: TGAAG{delAAG}CATCT. This in frame deletion of 3 base pairs results in the loss of a single Glutamic acid residue at a position that is well conserved throughout evolution, however, it is not located in a known functional domain. BRCA2 c.644_646delAAG has not, to our knowledge, been reported as a mutation or as a benign polymorphism. It has been reported in the Breast Cancer Information Core (BIC) database with unknown clinical importance. Since in frame deletions may or may not inhibit proper protein functioning, the clinical significance of this finding remains unclear at this time. Based on currently available information, we consider BRCA2 c.644_646delAAG to be a variant of unknown significance. The variant is found in BRCA1-BRCA2 panel(s).

Breast Cancer Information Core (BIC) (BRCA2)
Classification: Uncertain significance for Breast-ovarian cancer, familial 2. Last evaluated: 2001-10-29. Review status: no assertion criteria provided. Collection method: clinical testing. Allele origin: germline. Affected: yes. Observed: 1 variant allele. Not counted in ClinVar's aggregate classification.

Literature cited by the submitters: PubMed 27257965 (cited by 5 submitters); PubMed 30262796 (cited by 4 submitters); PubMed 35402282 (cited by 4 submitters); PubMed 39187384 (cited by 3 submitters); PubMed 19941162 (cited by Women's Health and Genetics/Laboratory Corporation of America, LabCorp and Quest Diagnostics Nichols Institute San Juan Capistrano); PubMed 40710012 (cited by Women's Health and Genetics/Laboratory Corporation of America, LabCorp); PubMed 36601340 (cited by Ambry Genetics); PubMed 32467295 (cited by Quest Diagnostics Nichols Institute San Juan Capistrano); PubMed 30702160 (cited by Quest Diagnostics Nichols Institute San Juan Capistrano); PubMed 31825140 (cited by Quest Diagnostics Nichols Institute San Juan Capistrano); PubMed 35454841 (cited by Quest Diagnostics Nichols Institute San Juan Capistrano).

NM_000059.4(BRCA2):c.641AAG[1] (p.Glu215del)

Gene: BRCA2 (BRCA2 DNA repair associated; plus strand). Cytogenetic location: 13q13.1.
Variant type: Microsatellite.
Coding change: c.641AAG[1] on transcript NM_000059.4 (MANE Select); one copy of the 3-base unit AAG starting at c.641; the reference has two copies in a row; one copy, 3 bases deleted; also written c.644_646del.
Protein change: p.Glu215del; deletes glutamic acid 215.
Molecular consequence: inframe deletion.
Genome position (GRCh38, 1-based): chr13:32,329,455-32,329,457, AAG deleted; deleting any 3 consecutive bases within chr13:32,329,451-32,329,457 gives the same sequence; the position shown is the placement nearest the transcript's 3' end. VCF-style (leftmost placement, unchanged base first): chr13-32329450-TGAA-T. GRCh37 (hg19) VCF-style: chr13-32903587-TGAA-T.
Other names: c.644_646delAAG (NM_000059.3, NM_000059.4); c.644_646del (NM_000059.4); short protein forms E215del.
Identifiers: ClinVar variation 52106 (VCV000052106.37), dbSNP rs80359588, ClinGen allele CA024056.